The following is an entry in ClinVar:

ClinVar aggregate classification (germline): Pathogenic (1 of 4 stars; one submission).

Conditions:
GLUT1 deficiency syndrome 1, autosomal recessive. Identifiers: MedGen C3149117.

Submission:

Labcorp Genetics (formerly Invitae), Labcorp
Classification: Pathogenic for GLUT1 deficiency syndrome 1, autosomal recessive. Last evaluated: 2025-04-14. Review status: criteria provided, single submitter. Criteria: Invitae Variant Classification Sherloc (09022015). Collection method: clinical testing. Allele origin: germline.
Comment: This sequence change creates a premature translational stop signal (p.Met99Aspfs*22) in the SLC2A1 gene. It is expected to result in an absent or disrupted protein product. Loss-of-function variants in SLC2A1 are known to be pathogenic (PMID: 21832227, 26193382). This variant is not present in population databases (gnomAD no frequency). This variant has not been reported in the literature in individuals affected with SLC2A1-related conditions. ClinVar contains an entry for this variant (Variation ID: 1455446). For these reasons, this variant has been classified as Pathogenic.

Literature cited by the submitters: PubMed 21832227; PubMed 26193382.

NM_006516.4(SLC2A1):c.294dup (p.Met99fs)

Gene: SLC2A1 (solute carrier family 2 member 1; minus strand). Cytogenetic location: 1p34.2.
Variant type: Duplication.
Coding change: c.294dup on transcript NM_006516.4 (MANE Select); coding-DNA position 294, one base duplicated (G; older notation c.294dupG).
Protein change: p.Met99fs; shifts the reading frame from methionine 99.
Molecular consequence: frameshift variant.
Genome position (GRCh38, 1-based): chr1:42,930,848, C duplicated on the plus strand (G on the coding strand, the reverse complement: SLC2A1 is on the minus strand). VCF-style (leftmost placement, unchanged base first): chr1-42930847-T-TC. GRCh37 (hg19) VCF-style: chr1-43396518-T-TC.
Other names: short protein forms M99fs.
Identifiers: ClinVar variation 1455446 (VCV001455446.6), dbSNP rs2124450471, ClinGen allele CA2573132305.